The following is an entry in ClinVar:

NM_007294.4(BRCA1):c.4129del (p.Ser1377fs)

Gene: BRCA1 (BRCA1 DNA repair associated; minus strand). Cytogenetic location: 17q21.31.
Variant type: Deletion.
Coding change: c.4129del on transcript NM_007294.4 (MANE Select); coding-DNA position 4129, one base deleted (A; older notation c.4129delA).
Protein change: p.Ser1377fs; shifts the reading frame from serine 1377.
Molecular consequence: frameshift variant. On other transcripts: non-coding transcript variant (1).
Genome position (GRCh38, 1-based): chr17:43,091,000, T deleted on the plus strand (A on the coding strand, the reverse complement: BRCA1 is on the minus strand); the first of 2 consecutive T bases (chr17:43,091,000-43,091,001); deleting either gives the same sequence. VCF-style (leftmost placement, unchanged base first): chr17-43090999-CT-C. GRCh37 (hg19) VCF-style: chr17-41243016-CT-C.
Other names: 4248delA-ter1392; c.3915delA, p.Ser1306Alafs (NM_001407571.1, NM_001407853.1, NM_001407894.1 and 9 more transcripts); c.4128delA, p.Ser1377Alafs (NM_001407581.1, NM_001407582.1, NM_001407583.1 and 30 more transcripts); c.4125delA, p.Ser1376Alafs (NM_001407587.1, NM_001407590.1, NM_001407591.1 and 22 more transcripts); c.4119delA, p.Ser1374Alafs (NM_001407646.1, NM_001407647.1); c.4005delA, p.Ser1336Alafs (NM_001407648.1, NM_001407664.1, NM_001407665.1 and 19 more transcripts); c.4002delA, p.Ser1335Alafs (NM_001407649.1, NM_001407670.1, NM_001407671.1 and 11 more transcripts); c.4050delA, p.Ser1351Alafs (NM_001407653.1, NM_001407654.1, NM_001407655.1 and 4 more transcripts); and 45 more; short protein forms S1330fs, S1377fs, S274fs.
Identifiers: ClinVar variation 266450 (VCV000266450.7), dbSNP rs886040208, ClinGen allele CA10589688.
Genomic context (GRCh38, chr17:43,090,999, plus strand): 5'-TTTACCTGAGTGGTTAAAATGTCACTCTGAGAGGATAGCCCTGAGCAGTCTTCAGAGACG[CT>C]TGTTTCACTCTCACACCCAGATGCTGCTTCACCTTAAATAACAAAAACAGAGGTTCAGAT-3'

ClinVar aggregate classification (germline): Pathogenic. Review status: reviewed by expert panel (3 of 4 stars). 2 submissions from 2 submitters: Pathogenic (1). 1 of the submissions does not count toward it. Last evaluated 2016-10-18.

Conditions:
Breast-ovarian cancer, familial, susceptibility to, 1 (BROVCA1). Also called: BRCA1 Hereditary Breast and Ovarian Cancer; OVARIAN CANCER, SUSCEPTIBILITY TO. Identifiers: Orphanet 145, MedGen C2676676, MONDO:0011450, OMIM 604370. Disease mechanism: loss of function.

Submissions (2):

Evidence-based Network for the Interpretation of Germline Mutant Alleles (ENIGMA)
Classification: Pathogenic for Breast-ovarian cancer, familial, susceptibility to, 1. Last evaluated: 2016-10-18. Review status: reviewed by expert panel. Criteria: ENIGMA BRCA1/2 Classification Criteria (2015). Collection method: curation. Allele origin: germline.
Comment: Variant allele predicted to encode a truncated non-functional protein.

Consortium of Investigators of Modifiers of BRCA1/2 (CIMBA), c/o University of Cambridge
Classification: Pathogenic for Breast-ovarian cancer, familial, susceptibility to, 1. Last evaluated: 2015-10-02. Review status: criteria provided, single submitter. Criteria: CIMBA Mutation Classification guidelines May 2016. Collection method: clinical testing. Allele origin: germline. Not counted in ClinVar's aggregate classification.